The following is an entry in ClinVar:

ClinVar aggregate classification (germline): Pathogenic. Review status: criteria provided, multiple submitters, no conflicts (2 of 4 stars). 2 submissions from 2 submitters: Pathogenic (2). Last evaluated 2022-06-08.

Conditions:
Alstrom syndrome (ALMS). Identifiers: Orphanet 64, MedGen C0268425, MONDO:0008763, OMIM 203800.
Cardiovascular phenotype. Identifiers: MedGen CN230736.

Submissions (2):

Ambry Genetics
Classification: Pathogenic for Cardiovascular phenotype. Last evaluated: 2022-06-08. Review status: criteria provided, single submitter. Criteria: Ambry Variant Classification Scheme 2023. Collection method: clinical testing. Allele origin: germline.
Comment: The c.10561_10564delGACA variant, located in coding exon 16 of the ALMS1 gene, results from a deletion of 4 nucleotides at nucleotide positions 10561 to 10564, causing a translational frameshift with a predicted alternate stop codon (p.D3521Nfs*25). This variant was reported in two individuals from an Alstrom syndrome cohort (Marshall JD et al. Hum Mutat, 2015 Jul;36:660-8). This variant is considered to be rare based on population cohorts in the Genome Aggregation Database (gnomAD). In addition to the clinical data presented in the literature, this alteration is expected to result in loss of function by premature protein truncation or nonsense-mediated mRNA decay. As such, this alteration is interpreted as a disease-causing mutation.

Labcorp Genetics (formerly Invitae), Labcorp
Classification: Pathogenic for Alstrom syndrome. Last evaluated: 2021-11-08. Review status: criteria provided, single submitter. Criteria: Invitae Variant Classification Sherloc (09022015). Collection method: clinical testing. Allele origin: germline.
Comment: This premature translational stop signal has been observed in individual(s) with Alstrom syndrome (PMID: 25846608). This variant is not present in population databases (gnomAD no frequency). This sequence change creates a premature translational stop signal (p.Asp3521Asnfs*25) in the ALMS1 gene. It is expected to result in an absent or disrupted protein product. Loss-of-function variants in ALMS1 are known to be pathogenic (PMID: 17594715). ClinVar contains an entry for this variant (Variation ID: 1071886). For these reasons, this variant has been classified as Pathogenic.

Literature cited by the submitters: PubMed 25846608 (cited by Ambry Genetics and Labcorp Genetics (formerly Invitae), Labcorp); PubMed 17594715 (cited by Labcorp Genetics (formerly Invitae), Labcorp).

NM_001378454.1(ALMS1):c.10558_10561del (p.Asp3520fs)

Gene: ALMS1 (ALMS1 centrosome and basal body associated protein; plus strand). Cytogenetic location: 2p13.1.
Variant type: Deletion.
Coding change: c.10558_10561del on transcript NM_001378454.1 (MANE Select); coding-DNA positions 10558 to 10561, 4 bases deleted (GACA; older notation c.10558_10561delGACA).
Protein change: p.Asp3520fs; shifts the reading frame from aspartic acid 3520.
Molecular consequence: frameshift variant.
Genome position (GRCh38, 1-based): chr2:73,572,435-73,572,438, GACA deleted; deleting any 4 consecutive bases within chr2:73,572,433-73,572,438 gives the same sequence; the c. name uses the placement nearest the transcript's 3' end. VCF-style (leftmost placement, unchanged base first): chr2-73572432-CCAGA-C. GRCh37 (hg19) VCF-style: chr2-73799559-CCAGA-C.
Other names: c.10561_10564del, p.Asp3521fs (NM_015120.4); c.10561_10564delGACA (NM_015120.4); short protein forms D3520fs, D3521fs.
Identifiers: ClinVar variation 1071886 (VCV001071886.9), dbSNP rs2104104189, ClinGen allele CA2499216267.
Genomic context (GRCh38, chr2:73,572,432, plus strand): 5'-GAATCTTTGGGAAAGAGTGTTTTCATGAGACATTCTTGGAAAGATTTCTTTCAGCATCAT[CCAGA>C]CAAACATAGAGAACACATGTGTCTTCCTCTTCCTTATCAAAACATGGACAAGACTAAGAC-3'